The following is an entry in ClinVar:

ClinVar aggregate classification (germline): Uncertain significance. Review status: criteria provided, multiple submitters, no conflicts (2 of 4 stars). 2 submissions from 2 submitters: Uncertain significance (2). Last evaluated 2024-05-26.

Conditions:
Developmental and epileptic encephalopathy, 37 (DEE37). Also called: Epileptic encephalopathy, early infantile, 37. Identifiers: MedGen C4310770, MONDO:0014859, OMIM 616981.
Inborn genetic diseases. Identifiers: MedGen C0950123, MeSH D030342.

Submissions (2):

Ambry Genetics
Classification: Uncertain significance for Inborn genetic diseases. Last evaluated: 2024-05-26. Review status: criteria provided, single submitter. Criteria: Ambry Variant Classification Scheme 2023. Collection method: clinical testing. Allele origin: germline.

Labcorp Genetics (formerly Invitae), Labcorp
Classification: Uncertain significance for Epileptic encephalopathy, early infantile, 37. Last evaluated: 2018-03-01. Review status: criteria provided, single submitter. Criteria: Invitae Variant Classification Sherloc (09022015). Collection method: clinical testing. Allele origin: germline.
Comment: This sequence change replaces phenylalanine with leucine at codon 121 of the FRRS1L protein (p.Phe121Leu). The phenylalanine residue is moderately conserved and there is a small physicochemical difference between phenylalanine and leucine. While this variant is not present in population databases, the frequency information is unreliable, as metrics indicate poor data quality at this position in the ExAC database. This variant has not been reported in the literature in individuals with FRRS1L-related disease. Algorithms developed to predict the effect of missense changes on protein structure and function (SIFT, PolyPhen-2, Align-GVGD) all suggest that this variant is likely to be tolerated, but these predictions have not been confirmed by published functional studies and their clinical significance is uncertain. In summary, the available evidence is currently insufficient to determine the role of this variant in disease. Therefore, it has been classified as a Variant of Uncertain Significance.

NM_014334.4(FRRS1L):c.210C>A (p.Phe70Leu)

Gene: FRRS1L (ferric chelate reductase 1 like; minus strand). Cytogenetic location: 9q31.3.
Variant type: single nucleotide variant.
Coding change: c.210C>A on transcript NM_014334.4 (MANE Select); coding-DNA position 210, C replaced by A.
Protein change: p.Phe70Leu; replaces phenylalanine 70 with leucine.
Molecular consequence: missense variant.
Genome position (GRCh38, 1-based): chr9:109,166,929, G>T on the plus strand (C>A on the coding strand, the complement: FRRS1L is on the minus strand). VCF-style: chr9-109166929-G-T. GRCh37 (hg19) VCF-style: chr9-111929209-G-T.
Other names: short protein forms F70L.
Identifiers: ClinVar variation 575617 (VCV000575617.2), dbSNP rs1564238009, ClinGen allele CA374430274.